The following is an entry in ClinVar:

ClinVar aggregate classification (germline): Likely benign. Review status: criteria provided, multiple submitters, no conflicts (2 of 4 stars). 3 submissions from 3 submitters: Likely benign (3). Last evaluated 2026-07-01.

Conditions:
Charcot-Marie-Tooth disease type 2. Also called: Charcot-Marie-Tooth type 2. Identifiers: Orphanet 64746, MedGen C0270914, MONDO:0018993.

gnomAD v4.1: 7 of 1,613,926 alleles (0.00043%); highest among the groups gnomAD compares: Non-Finnish European, 0.00059%; no homozygotes.

Submissions (3):

CeGaT Center for Human Genetics Tuebingen
Classification: Likely benign. Last evaluated: 2026-07-01. Review status: criteria provided, single submitter. Criteria: CeGaT Center For Human Genetics Tuebingen Variant Classification Criteria Version 2. Collection method: clinical testing. Allele origin: germline. Affected: yes. Observed: 1 variant allele.
Comment: KIF1B: BP4, BP7

Labcorp Genetics (formerly Invitae), Labcorp
Classification: Likely benign for Charcot-Marie-Tooth disease type 2. Last evaluated: 2024-07-10. Review status: criteria provided, single submitter. Criteria: Invitae Variant Classification Sherloc (09022015). Collection method: clinical testing. Allele origin: germline.

Ambry Genetics
Classification: Likely benign. Last evaluated: 2020-09-02. Review status: criteria provided, single submitter. Criteria: Ambry Variant Classification Scheme 2023. Collection method: clinical testing. Allele origin: germline.

NM_001365951.3(KIF1B):c.285C>A (p.Ala95=)

Gene: KIF1B (kinesin family member 1B; plus strand). Cytogenetic location: 1p36.22.
Variant type: single nucleotide variant.
Coding change: c.285C>A on transcript NM_001365951.3 (MANE Select); coding-DNA position 285, C replaced by A.
Protein change: p.Ala95=; no amino-acid change (alanine 95 retained).
Molecular consequence: synonymous variant.
Genome position (GRCh38, 1-based): chr1:10,258,594, C>A. VCF-style: chr1-10258594-C-A. GRCh37 (hg19) VCF-style: chr1-10318652-C-A.
Other names: c.285C>A, p.Ala95= (NM_001365952.1, NM_001365953.1, NM_015074.3 and 1 more transcripts).
Identifiers: ClinVar variation 1143607 (VCV001143607.12), dbSNP rs12402052, ClinGen allele CA580660.